The following is an entry in ClinVar:

ClinVar aggregate classification (germline): Uncertain significance. Review status: criteria provided, multiple submitters, no conflicts (2 of 4 stars). 3 submissions from 3 submitters: Uncertain significance (3). Last evaluated 2025-05-15.

Allele frequency attached by ClinVar (database versions not stated): ExAC 0.00003; TOPMed 0.00004; gnomAD exomes 0.00005; gnomAD 0.00009 and 0.00010; 1000 Genomes Project 30x 0.00031; 1000 Genomes Project 0.00040.
gnomAD v4.1: 98 of 1,613,372 alleles (0.0061%); highest among the groups gnomAD compares: East Asian, 0.025%; no homozygotes.

Submissions (3):

Labcorp Genetics (formerly Invitae), Labcorp
Classification: Uncertain significance. Last evaluated: 2025-05-15. Review status: criteria provided, single submitter. Criteria: Invitae Variant Classification Sherloc (09022015). Collection method: clinical testing. Allele origin: germline.
Comment: This sequence change replaces arginine, which is basic and polar, with histidine, which is basic and polar, at codon 410 of the IL12RB2 protein (p.Arg410His). This variant is present in population databases (rs201307534, gnomAD 0.05%). This variant has not been reported in the literature in individuals affected with IL12RB2-related conditions. ClinVar contains an entry for this variant (Variation ID: 1010681). An algorithm developed to predict the effect of missense changes on protein structure and function outputs the following: PolyPhen-2: "Benign". The histidine amino acid residue is found in multiple mammalian species, which suggests that this missense change does not adversely affect protein function. In summary, the available evidence is currently insufficient to determine the role of this variant in disease. Therefore, it has been classified as a Variant of Uncertain Significance.

Ambry Genetics
Classification: Uncertain significance. Last evaluated: 2023-01-31. Review status: criteria provided, single submitter. Criteria: Ambry Variant Classification Scheme 2023. Collection method: clinical testing. Allele origin: germline.

Breakthrough Genomics
Classification: Uncertain significance. Review status: criteria provided, single submitter. Criteria: ACMG Guidelines, 2015. Collection method: not provided. Allele origin: germline. Inheritance: Unknown mechanism. Affected: yes.

NM_001374259.2(IL12RB2):c.1229G>A (p.Arg410His)

Gene: IL12RB2 (interleukin 12 receptor subunit beta 2; plus strand). Cytogenetic location: 1p31.3.
Variant type: single nucleotide variant.
Coding change: c.1229G>A on transcript NM_001374259.2 (MANE Select); coding-DNA position 1229, G replaced by A.
Protein change: p.Arg410His; replaces arginine 410 with histidine.
Molecular consequence: missense variant. On other transcripts: non-coding transcript variant (2).
Genome position (GRCh38, 1-based): chr1:67,351,060, G>A. VCF-style: chr1-67351060-G-A. GRCh37 (hg19) VCF-style: chr1-67816743-G-A.
Other names: c.1229G>A, p.Arg410His (NM_001258214.1, NM_001258215.1, NM_001258216.1 and 2 more transcripts); c.1229G>A (NM_001559.2); short protein forms R410H.
Identifiers: ClinVar variation 1010681 (VCV001010681.11), dbSNP rs201307534, ClinGen allele CA900432.